The following is an entry in ClinVar:

ClinVar aggregate classification (germline): Uncertain significance (1 of 4 stars; one submission).

Submission:

Labcorp Genetics (formerly Invitae), Labcorp
Classification: Uncertain significance. Last evaluated: 2024-05-23. Review status: criteria provided, single submitter. Criteria: Invitae Variant Classification Sherloc (09022015). Collection method: clinical testing. Allele origin: germline.
Comment: This sequence change replaces serine, which is neutral and polar, with alanine, which is neutral and non-polar, at codon 34 of the IL18BP protein (p.Ser34Ala). This variant is not present in population databases (gnomAD no frequency). This variant has not been reported in the literature in individuals affected with IL18BP-related conditions. An algorithm developed to predict the effect of missense changes on protein structure and function (PolyPhen-2) suggests that this variant is likely to be tolerated. In summary, the available evidence is currently insufficient to determine the role of this variant in disease. Therefore, it has been classified as a Variant of Uncertain Significance.

NM_001039660.2(IL18BP):c.100T>G (p.Ser34Ala)

Gene: IL18BP (interleukin 18 binding protein; plus strand). Cytogenetic location: 11q13.4.
Variant type: single nucleotide variant.
Coding change: c.100T>G on transcript NM_001039660.2 (MANE Select); coding-DNA position 100, T replaced by G.
Protein change: p.Ser34Ala; replaces serine 34 with alanine.
Molecular consequence: missense variant.
Genome position (GRCh38, 1-based): chr11:72,000,422, T>G. VCF-style: chr11-72000422-T-G. GRCh37 (hg19) VCF-style: chr11-71711468-T-G.
Other names: c.100T>G, p.Ser34Ala (NM_001039659.2, NM_001145055.1, NM_001145057.1 and 3 more transcripts); short protein forms S34A.
Identifiers: ClinVar variation 3654453 (VCV003654453.2).
Genomic context (GRCh38, chr11:72,000,422, plus strand): 5'-TTGTGGGTCCTGCTCCTGTGTGCCCACGTCGTCACTCTCCTGGTCAGAGCCACACCTGTC[T>G]CGCAGACCACCACAGCTGCCACTGCCTCAGTTAGAAGCACAAAGGACCCCTGCCCCTCCC-3'
Protein context (NP_001034749.1, residues 24-44): VTLLVRATPV[Ser34Ala]QTTTAATASV